The following is an entry in ClinVar:

ClinVar aggregate classification (germline): Uncertain significance (1 of 4 stars; one submission).

Allele frequency attached by ClinVar (database versions not stated): gnomAD exomes below 0.00001; ExAC 0.00001.
gnomAD v4.1: 4 of 1,612,970 alleles (0.00025%); highest among the groups gnomAD compares: South Asian, 0.0044%; no homozygotes.

Submission:

Labcorp Genetics (formerly Invitae), Labcorp
Classification: Uncertain significance. Last evaluated: 2021-02-26. Review status: criteria provided, single submitter. Criteria: Invitae Variant Classification Sherloc (09022015). Collection method: clinical testing. Allele origin: germline.
Comment: Algorithms developed to predict the effect of missense changes on protein structure and function are either unavailable or do not agree on the potential impact of this missense change (SIFT: "Deleterious"; PolyPhen-2: "Benign"; Align-GVGD: "Class C0"). This variant has not been reported in the literature in individuals with OCA2-related conditions. This variant is present in population databases (rs762173959, ExAC 0.006%). This sequence change replaces methionine with isoleucine at codon 512 of the OCA2 protein (p.Met512Ile). The methionine residue is highly conserved and there is a small physicochemical difference between methionine and isoleucine. In summary, the available evidence is currently insufficient to determine the role of this variant in disease. Therefore, it has been classified as a Variant of Uncertain Significance.

NM_000275.3(OCA2):c.1536G>A (p.Met512Ile)

Gene: OCA2 (OCA2 melanosomal transmembrane protein; minus strand). Cytogenetic location: 15q13.1.
Variant type: single nucleotide variant.
Coding change: c.1536G>A on transcript NM_000275.3 (MANE Select); coding-DNA position 1536, G replaced by A.
Protein change: p.Met512Ile; replaces methionine 512 with isoleucine.
Molecular consequence: missense variant.
Genome position (GRCh38, 1-based): chr15:27,966,790, C>T on the plus strand (G>A on the coding strand, the complement: OCA2 is on the minus strand). VCF-style: chr15-27966790-C-T. GRCh37 (hg19) VCF-style: chr15-28211936-C-T.
Other names: c.1464G>A, p.Met488Ile (NM_001300984.2); short protein forms M512I, M488I.
Identifiers: ClinVar variation 1513485 (VCV001513485.8), dbSNP rs762173959, ClinGen allele CA7438998.